The following is an entry in ClinVar:

NM_004036.5(ADCY3):c.1730T>C (p.Val577Ala)

Gene: ADCY3 (adenylate cyclase 3; minus strand). Cytogenetic location: 2p23.3.
Variant type: single nucleotide variant.
Coding change: c.1730T>C on transcript NM_004036.5 (MANE Select); coding-DNA position 1730, T replaced by C.
Protein change: p.Val577Ala; replaces valine 577 with alanine.
Molecular consequence: missense variant.
Genome position (GRCh38, 1-based): chr2:24,834,869, A>G on the plus strand (T>C on the coding strand, the complement: ADCY3 is on the minus strand). VCF-style: chr2-24834869-A-G. GRCh37 (hg19) VCF-style: chr2-25057738-A-G.
Other names: c.1730T>C, p.Val577Ala (NM_001320613.2, NM_001377129.1, NM_001377130.1 and 1 more transcripts); c.1796T>C, p.Val599Ala (NM_001377128.1); c.1007T>C, p.Val336Ala (NM_001377131.1); short protein forms V336A, V599A, V577A.
Identifiers: ClinVar variation 4983614 (VCV004983614.1).
Genomic context (GRCh38, chr2:24,834,869, plus strand): 5'-CGCTCAAGCAGGGCCTCGTTGAGCAGCTGGTTGAGCTCGTGCTCATCTTCAGAGGCATCC[A>G]CCACTCGGTCAGCCAGGTCCTGCAGGCGCAGCCTCCGGCGTGGGTTGGGGAATGAGGGGT-3'
Protein context (NP_004027.2, residues 567-587): LRLQDLADRV[Val577Ala]DASEDEHELN

ClinVar aggregate classification (germline): Uncertain significance (1 of 4 stars; one submission).

Conditions:
ADCY3-related disorder. Also called: ADCY3-related condition.

gnomAD v4.1: 39 of 1,613,624 alleles (0.0024%); highest among the groups gnomAD compares: Non-Finnish European, 0.0032%; no homozygotes.

Submission:

PreventionGenetics, part of Exact Sciences
Classification: Uncertain significance for ADCY3-related condition. Last evaluated: 2025-05-06. Review status: criteria provided, single submitter. Criteria: ACMG Guidelines, 2015. Collection method: clinical testing. Allele origin: germline.
Comment: The ADCY3 c.1730T>C variant is predicted to result in the amino acid substitution p.Val577Ala. To our knowledge, this variant has not been reported in the literature. This variant is reported in 0.0018% of alleles in individuals of European (Non-Finnish) descent in gnomAD. At this time, the clinical significance of this variant is uncertain due to the absence of conclusive functional and genetic evidence.